The following is an entry in ClinVar:

NM_022124.6(CDH23):c.7128C>A (p.Asp2376Glu)

Gene: CDH23 (cadherin related 23; plus strand). Cytogenetic location: 10q22.1.
Variant type: single nucleotide variant.
Coding change: c.7128C>A on transcript NM_022124.6 (MANE Select); coding-DNA position 7128, C replaced by A.
Protein change: p.Asp2376Glu; replaces aspartic acid 2376 with glutamic acid.
Molecular consequence: missense variant.
Genome position (GRCh38, 1-based): chr10:71,799,184, C>A. VCF-style: chr10-71799184-C-A. GRCh37 (hg19) VCF-style: chr10-73558941-C-A.
Other names: c.408C>A, p.Asp136Glu (NM_001171933.1, NM_001171934.1); short protein forms D136E, D2376E.
Identifiers: ClinVar variation 1310877 (VCV001310877.6), dbSNP rs930082957, ClinGen allele CA209470117.

ClinVar aggregate classification (germline): Conflicting classifications of pathogenicity. Review status: criteria provided, conflicting classifications (1 of 4 stars). 4 submissions from 4 submitters: Likely pathogenic (2); Uncertain significance (2). Last evaluated 2025-12-09.

Conditions:
Autosomal recessive nonsyndromic hearing loss 12. Also called: DEAFNESS, AUTOSOMAL RECESSIVE 12. Identifiers: Orphanet 90636, MedGen C1832394, MONDO:0011067, OMIM 601386.

Allele frequency attached by ClinVar (database versions not stated): TOPMed below 0.00001; gnomAD exomes 0.00001.
gnomAD v4.1: 11 of 1,614,040 alleles (0.00068%); highest among the groups gnomAD compares: Non-Finnish European, 0.00093%; no homozygotes.

Submissions (4):

Genetics Research Center, University of Social Welfare and Rehabilitation Sciences
Classification: Likely pathogenic for Autosomal recessive nonsyndromic hearing loss 12. Last evaluated: 2025-12-09. Review status: criteria provided, single submitter. Criteria: ACMG Guidelines, 2015. Collection method: research. Allele origin: germline. Affected: yes.
Comment: The variant is present at a very low allele frequency (0.003%) in the gnomAD v2.1.1 dataset. Previous studies have reported its association with CDH23-related disorders (PMID: 33111992‚ 34515852). Another missense variant in the same codon, c.7127A>T ( p.D2376V), has also been reported in a patient with Usher syndrome (PMID:18429043).

Institute of Rare Diseases, West China Hospital, Sichuan University
Classification: Likely pathogenic for Autosomal recessive nonsyndromic hearing loss 12. Last evaluated: 2025-01-09. Review status: criteria provided, single submitter. Criteria: ClinGen HL ACMG Specifications v1. Collection method: research. Allele origin: germline. Affected: yes.
Comment: PM3;PM5;PM2_Supporting;PP3

GeneDx
Classification: Uncertain significance. Last evaluated: 2024-12-04. Review status: criteria provided, single submitter. Criteria: GeneDx Variant Classification Process June 2021. Collection method: clinical testing. Allele origin: germline. Affected: yes.
Comment: Not observed at significant frequency in large population cohorts (gnomAD); In silico analysis supports that this missense variant has a deleterious effect on protein structure/function; This variant is associated with the following publications: (PMID: 33111992, 34515852)

Women's Health and Genetics/Laboratory Corporation of America, LabCorp
Classification: Uncertain significance. Last evaluated: 2024-06-17. Review status: criteria provided, single submitter. Criteria: LabCorp Variant Classification Summary - May 2015. Collection method: clinical testing. Allele origin: germline.
Comment: Variant summary: CDH23 c.7128C>A (p.Asp2376Glu) results in a conservative amino acid change in the encoded protein sequence. Four of five in-silico tools predict a damaging effect of the variant on protein function. The variant was absent in 249270 control chromosomes. c.7128C>A has been reported in the literature in individuals affected with Usher Syndrome and hearing loss (Brodie_2021, Florentine_2022). These data indicate that the variant may be associated with disease. To our knowledge, no experimental evidence demonstrating an impact on protein function has been reported. The following publications have been ascertained in the context of this evaluation (PMID: 33111992, 34515852). ClinVar contains an entry for this variant (Variation ID: 1310877). Based on the evidence outlined above, the variant was classified as VUS-possibly pathogenic.

Literature cited by the submitters: PubMed 33111992 (cited by Genetics Research Center, University of Social Welfare and Rehabilitation Sciences and Women's Health and Genetics/Laboratory Corporation of America, LabCorp); PubMed 34515852 (cited by Genetics Research Center, University of Social Welfare and Rehabilitation Sciences and Women's Health and Genetics/Laboratory Corporation of America, LabCorp).